The following is an entry in ClinVar:

NM_000059.4(BRCA2):c.8440A>C (p.Asn2814His)

Gene: BRCA2 (BRCA2 DNA repair associated; plus strand). Cytogenetic location: 13q13.1.
Variant type: single nucleotide variant.
Coding change: c.8440A>C on transcript NM_000059.4 (MANE Select); coding-DNA position 8440, A replaced by C.
Protein change: p.Asn2814His; replaces asparagine 2814 with histidine.
Molecular consequence: missense variant.
Genome position (GRCh38, 1-based): chr13:32,370,510, A>C. VCF-style: chr13-32370510-A-C. GRCh37 (hg19) VCF-style: chr13-32944647-A-C.
Other names: short protein forms N2814H.
Identifiers: ClinVar variation 531338 (VCV000531338.10), dbSNP rs876660312, ClinGen allele CA387752562.

ClinVar aggregate classification (germline): Uncertain significance. Review status: criteria provided, multiple submitters, no conflicts (2 of 4 stars). 2 submissions from 2 submitters: Uncertain significance (2). Last evaluated 2025-01-02.

Conditions:
Hereditary cancer-predisposing syndrome. Also called: Hereditary neoplastic syndrome; Neoplastic Syndromes, Hereditary; Tumor predisposition; Hereditary Cancer Syndrome. Identifiers: Orphanet 140162, MedGen C0027672, MeSH D009386, MONDO:0015356.
Hereditary breast ovarian cancer syndrome. Also called: Hereditary breast and ovarian cancer syndrome (HBOC); BRCA1- and BRCA2-Associated Hereditary Breast and Ovarian Cancer; Hereditary breast and ovarian cancer syndrome; Breast and ovarian cancer; Hereditary breast and ovarian cancer; Hereditary breast and/or ovarian cancer syndrome. Identifiers: Orphanet 145, MedGen C0677776, MeSH D061325, MONDO:0003582. Disease mechanism: loss of function.

Allele frequency attached by ClinVar (database versions not stated): TOPMed 0.00002.

Submissions (2):

Ambry Genetics
Classification: Uncertain significance for Hereditary cancer-predisposing syndrome. Last evaluated: 2025-01-02. Review status: criteria provided, single submitter. Criteria: Ambry Variant Classification Scheme 2023. Collection method: clinical testing. Allele origin: germline.
Comment: The p.N2814H variant (also known as c.8440A>C), located in coding exon 18 of the BRCA2 gene, results from an A to C substitution at nucleotide position 8440. The asparagine at codon 2814 is replaced by histidine, an amino acid with similar properties. This variant was reported in 1 of 701 Brazilian individuals with features consistent with a hereditary breast and/or ovarian cancer syndrome (Faria JP et al. Breast Cancer Res Treat, 2024 Oct;207:615-624). This amino acid position is not well conserved in available vertebrate species. In addition, this alteration is predicted to be tolerated by in silico analysis. Based on the available evidence, the clinical significance of this variant remains unclear.

Labcorp Genetics (formerly Invitae), Labcorp
Classification: Uncertain significance for Hereditary breast ovarian cancer syndrome. Last evaluated: 2022-07-16. Review status: criteria provided, single submitter. Criteria: Invitae Variant Classification Sherloc (09022015). Collection method: clinical testing. Allele origin: germline.
Comment: This sequence change replaces asparagine, which is neutral and polar, with histidine, which is basic and polar, at codon 2814 of the BRCA2 protein (p.Asn2814His). This variant is not present in population databases (gnomAD no frequency). This variant has not been reported in the literature in individuals affected with BRCA2-related conditions. ClinVar contains an entry for this variant (Variation ID: 531338). Advanced modeling of protein sequence and biophysical properties (such as structural, functional, and spatial information, amino acid conservation, physicochemical variation, residue mobility, and thermodynamic stability) performed at Invitae indicates that this missense variant is not expected to disrupt BRCA2 protein function. In summary, the available evidence is currently insufficient to determine the role of this variant in disease. Therefore, it has been classified as a Variant of Uncertain Significance.

Literature cited by the submitters: PubMed 38874686 (cited by Ambry Genetics).